The following is an entry in ClinVar:

ClinVar aggregate classification (germline): Uncertain significance (1 of 4 stars; one submission).

Conditions:
Aortic aneurysm, familial thoracic 7 (AAT7). Also called: AORTIC DISSECTION, FAMILIAL, WITH OR WITHOUT AORTIC ANEURYSM. Identifiers: MedGen C3151077, MONDO:0013418, OMIM 613780.

Submission:

Labcorp Genetics (formerly Invitae), Labcorp
Classification: Uncertain significance for Aortic aneurysm, familial thoracic 7. Last evaluated: 2025-09-15. Review status: criteria provided, single submitter. Criteria: Invitae Variant Classification Sherloc (09022015). Collection method: clinical testing. Allele origin: germline.
Comment: This sequence change replaces tryptophan, which is neutral and slightly polar, with arginine, which is basic and polar, at codon 1678 of the MYLK protein (p.Trp1678Arg). This variant is not present in population databases (gnomAD no frequency). This variant has not been reported in the literature in individuals affected with MYLK-related conditions. An algorithm developed to predict the effect of missense changes on protein structure and function (PolyPhen-2) suggests that this variant is likely to be tolerated. In summary, the available evidence is currently insufficient to determine the role of this variant in disease. Therefore, it has been classified as a Variant of Uncertain Significance.

NM_053025.4(MYLK):c.5032T>C (p.Trp1678Arg)

Genes: MYLK (myosin light chain kinase; minus strand), MYLK-AS1 (MYLK antisense RNA 1; plus strand), LOC126806791 (MED14-independent group 3 enhancer GRCh37_chr3:123347871-123349070; plus strand). Cytogenetic location: 3q21.1.
Variant type: single nucleotide variant.
Coding change: c.5032T>C on transcript NM_053025.4 (MANE Select); coding-DNA position 5032, T replaced by C.
Protein change: p.Trp1678Arg; replaces tryptophan 1678 with arginine.
Molecular consequence: missense variant. On other transcripts: non-coding transcript variant (2), intron variant (2).
Genome position (GRCh38, 1-based): chr3:123,629,556, A>G on the plus strand (T>C on the coding strand, the complement: MYLK is on the minus strand). VCF-style: chr3-123629556-A-G. GRCh37 (hg19) VCF-style: chr3-123348403-A-G.
Other names: c.4504T>C, p.Trp1502Arg (NM_001321309.2); c.4825T>C, p.Trp1609Arg (NM_053026.4); c.4755-2615T>C (NM_053028.4); c.4962-2615T>C (NM_053027.4); short protein forms W1678R, W1502R, W1609R.
Identifiers: ClinVar variation 4727210 (VCV004727210.1).